The following is an entry in ClinVar:

NC_000003.11:g.(?_53133377)_(53133522_?)del

Gene: RFT1 (RFT1 glycolipid translocator homolog; minus strand). Cytogenetic location: 3p21.1.
Variant type: Deletion.
Identifiers: ClinVar variation 2427146 (VCV002427146.3).

ClinVar aggregate classification (germline): Uncertain significance (1 of 4 stars; one submission).

Conditions:
RFT1-congenital disorder of glycosylation (CDG1N). Also called: Congenital disorder of glycosylation type In; RFT1-CDG; CDG In. Identifiers: Orphanet 244310, MedGen C2677590, MONDO:0012783, OMIM 612015.

Submission:

Labcorp Genetics (formerly Invitae), Labcorp
Classification: Uncertain significance for RFT1-congenital disorder of glycosylation. Last evaluated: 2022-07-25. Review status: criteria provided, single submitter. Criteria: Invitae Variant Classification Sherloc (09022015). Collection method: clinical testing. Allele origin: germline.
Comment: This variant is a gross deletion of the genomic region encompassing exon(s) 11 of the RFT1 gene. This deletion is out-of-frame, and is expected to create a premature translational stop signal and result in an absent or disrupted protein product. However, the current clinical and genetic evidence is not sufficient to establish whether loss-of-function variants in RFT1 cause disease. This variant has not been reported in the literature in individuals affected with RFT1-related conditions. In summary, the available evidence is currently insufficient to determine the role of this variant in disease. Therefore, it has been classified as a Variant of Uncertain Significance.